The following is an entry in ClinVar:

NM_004341.5(CAD):c.5823C>G (p.Phe1941Leu)

Gene: CAD (carbamoyl-phosphate synthetase 2, aspartate transcarbamylase, and dihydroorotase; plus strand). Cytogenetic location: 2p23.3.
Variant type: single nucleotide variant.
Coding change: c.5823C>G on transcript NM_004341.5 (MANE Select); coding-DNA position 5823, C replaced by G.
Protein change: p.Phe1941Leu; replaces phenylalanine 1941 with leucine.
Molecular consequence: missense variant.
Genome position (GRCh38, 1-based): chr2:27,241,336, C>G. VCF-style: chr2-27241336-C-G. GRCh37 (hg19) VCF-style: chr2-27464204-C-G.
Other names: c.5634C>G, p.Phe1878Leu (NM_001306079.2); c.5823C>G (NM_004341.3); short protein forms F1941L, F1878L.
Identifiers: ClinVar variation 444489 (VCV000444489.48), dbSNP rs781399811, ClinGen allele CA1574016.

ClinVar aggregate classification (germline): Uncertain significance. Review status: criteria provided, multiple submitters, no conflicts (2 of 4 stars). 3 submissions from 3 submitters: Uncertain significance (3). Last evaluated 2025-12-04.

Conditions:
Inborn genetic diseases. Identifiers: MedGen C0950123, MeSH D030342.

Allele frequency attached by ClinVar (database versions not stated): gnomAD exomes below 0.00001; TOPMed below 0.00001; ExAC 0.00001; gnomAD 0.00001.
gnomAD v4.1: 6 of 1,614,056 alleles (0.00037%); highest among the groups gnomAD compares: Non-Finnish European, 0.00051%; no homozygotes.

Submissions (3):

Ambry Genetics
Classification: Uncertain significance for Inborn genetic diseases. Last evaluated: 2025-12-04. Review status: criteria provided, single submitter. Criteria: Ambry Variant Classification Scheme 2023. Collection method: clinical testing. Allele origin: germline.

Labcorp Genetics (formerly Invitae), Labcorp
Classification: Uncertain significance. Last evaluated: 2021-02-17. Review status: criteria provided, single submitter. Criteria: Invitae Variant Classification Sherloc (09022015). Collection method: clinical testing. Allele origin: germline.
Comment: In summary, the available evidence is currently insufficient to determine the role of this variant in disease. Therefore, it has been classified as a Variant of Uncertain Significance. Algorithms developed to predict the effect of missense changes on protein structure and function are either unavailable or do not agree on the potential impact of this missense change (SIFT: "Deleterious"; PolyPhen-2: "Possibly Damaging"; Align-GVGD: "Class C0"). This variant has not been reported in the literature in individuals with CAD-related conditions. ClinVar contains an entry for this variant (Variation ID: 444489). This variant is present in population databases (rs781399811, ExAC 0.001%). This sequence change replaces phenylalanine with leucine at codon 1941 of the CAD protein (p.Phe1941Leu). The phenylalanine residue is highly conserved and there is a small physicochemical difference between phenylalanine and leucine.

CeGaT Center for Human Genetics Tuebingen
Classification: Uncertain significance. Last evaluated: 2017-06-01. Review status: criteria provided, single submitter. Criteria: CeGaT Center For Human Genetics Tuebingen Variant Classification Criteria Version 2. Collection method: clinical testing. Allele origin: germline. Affected: yes. Observed: 1 variant allele.